The following is an entry in ClinVar:

NC_012920.1(MT-ND6):m.14633A>G

Gene: MT-ND6 (mitochondrially encoded NADH dehydrogenase 6; minus strand).
Variant type: single nucleotide variant.
Genome position: chrM-14633-A-G.
Identifiers: ClinVar variation 618219 (VCV000618219.11), dbSNP rs1569484667, ClinGen allele CA414823366.

ClinVar aggregate classification (germline): Uncertain significance. Review status: reviewed by expert panel (3 of 4 stars). 4 submissions from 4 submitters: Uncertain significance (1). 3 of the submissions do not count toward it. Last evaluated 2023-03-28.

Conditions:
Leigh syndrome (NULS). Also called: Leigh's syndrome; Leigh's necrotizing encephalopathy; Leigh's disease; Leigh Disease; Subacute necrotizing encephalopathy; Necrotizing encephalopathy infantile subacute of Leigh. Identifiers: Orphanet 506, MedGen C2931891, MONDO:0009723, OMIM 256000.
Leber optic atrophy (LHON). Also called: Leber hereditary optic neuropathy; Leber's disease; Optic Atrophy, Hereditary, Leber; Leber's optic atrophy. Identifiers: Orphanet 104, MedGen C0917796, MONDO:0010788, OMIM 535000, HP:0001112.
Mitochondrial disease. Also called: Mitochondrial disorders; Mitochondrial disorder. Identifiers: Orphanet 68380, MedGen C0751651, MeSH D028361, MONDO:0044970.

Submissions (4):

ClinGen Mitochondrial Disease Nuclear and Mitochondrial  Variant Curation Expert Panel, ClinGen
Classification: Uncertain significance for Mitochondrial disease. Last evaluated: 2023-03-28. Review status: reviewed by expert panel. Criteria: McCormick et al. (Hum Mutat. 2020). Collection method: curation. Allele origin: germline. Inheritance: Mitochondrial inheritance.
Comment: The m.14633A>G (p.M14T) variant in MT-ND6 was reviewed by the Mitochondrial Disease Nuclear and Mitochondrial Variant Curation Expert Panel on March 28, 2023. There are no individuals or families with this variant reported in the medical literature to our knowledge. There are several occurrences in population databases. This variant is absent in GenBank MITOMAP sequences. It is present in 0.005% of individuals in gnomAD v3.1.2 (two homoplasmic occurrences in individuals of European background and haplogroup HV; one homoplasmic occurrence in an individual of African/African American background and haplogroup L3) and in 0.005% of individuals in the Helix dataset (10 homoplasmic occurrences and two heteroplasmic occurrences). In silico tools (APOGEE) predict this variant to be neutral (score of 0.4, BP4). There are no cybrid, single fiber, or other studies reported for this variant. In summary, this variant meets criteria to be classified as uncertain significance for primary mitochondrial disease inherited in a mitochondrial manner. This classification was approved by the NICHD/NINDS U24 ClinGen Mitochondrial Disease Variant Curation Expert Panel on March 28, 2023. Mitochondrial DNA-specific ACMG/AMP criteria applied (PMID: 32906214): BP4.

OLLIN Analises Genomicas, OLLIN
Classification: Uncertain significance for Leber optic atrophy. Last evaluated: 2026-08-06. Review status: criteria provided, single submitter. Criteria: ACMG Guidelines 2015 PMID 25741868. Collection method: clinical testing. Allele origin: germline. Not counted in ClinVar's aggregate classification.
Comment: This missense variant, located in exon 1 (of 1), has been reported in ClinVar (accession VCV000618219.10) and in gnomAD with an allele frequency of 0.0053%. However, to our knowledge, it has not been reported in the scientific literature. In silico analysis predicts that this variant has a tolerated effect. According to the currently available evidence, this variant has been classified as uncertain significance (BP4).

Wong Mito Lab, Molecular and Human Genetics, Baylor College of Medicine
Classification: Likely benign for Leigh syndrome. Last evaluated: 2019-10-17. Review status: criteria provided, single submitter. Criteria: Modified ACMG Guidelines (Unpublished). Collection method: clinical testing. Allele origin: germline. Not counted in ClinVar's aggregate classification.
Comment: The NC_012920.1:m.14633A>G (YP_003024037.1:p.Met14Thr) variant in MTND6 gene is interpretated to be a Likely Benign variant based on the modified ACMG guidelines (unpublished). This variant meets the following evidence codes: BS4, BP4, BP5, PP7

ARUP Laboratories, Molecular Genetics and Genomics, ARUP Laboratories
Classification: Uncertain significance. Last evaluated: 2017-07-18. Review status: criteria provided, single submitter. Criteria: ARUP Molecular Germline Variant Investigation Process. Collection method: clinical testing. Allele origin: germline. Not counted in ClinVar's aggregate classification.
Comment: This variant affects the MT-ND6 gene (c.41T>C; p.Met14Thr) and has not been reported in the medical literature, is not listed in gene-specific variant databases, nor has it been previously identified in our laboratory. It is also absent from population databases such as MITOMAP. The methionine at codon 14 is moderately conserved considering 11 species, and there is a moderate physiochemical difference between methionine and threonine (Alamut software v2.9). Therefore, based on the available information, the clinical significance of the m.14633A>G variant cannot be determined with certainty.